The following is an entry in ClinVar:

ClinVar aggregate classification (germline): Pathogenic/Likely pathogenic. Review status: criteria provided, multiple submitters, no conflicts (2 of 4 stars). 3 submissions from 3 submitters: Pathogenic (2); Likely pathogenic (1). Last evaluated 2024-05-14.

Conditions:
MTTP-related disorder. Also called: MTTP-related condition.
Abetalipoproteinaemia (ABL). Also called: MTP DEFICIENCY; Abetalipoproteinemia; Abetalipoproteinemia neuropathy; Apolipoprotein B deficiency; Congenital betalipoprotein deficiency syndrome. Identifiers: Orphanet 14, MedGen C0000744, MONDO:0008692, OMIM 200100, HP:0008181.

Submissions (3):

Myriad Genetics, Inc.
Classification: Pathogenic for Abetalipoproteinaemia. Last evaluated: 2024-05-14. Review status: criteria provided, single submitter. Criteria: Myriad Autosomal Dominant, Autosomal Recessive and X-Linked Classification Criteria (2023). Collection method: clinical testing. Allele origin: unknown.
Comment: NM_000253.2(MTTP):c.399dupA(E134Rfs*8) is expected to be pathogenic in the context of abetalipoproteinemia. This variant is predicted to lead to an abnormal or absent protein product due to the creation of a premature termination codon in MTTP, a gene where loss-of-function variants are known to be pathogenic. Please note: this variant was assessed in the context of healthy population screening.

PreventionGenetics, part of Exact Sciences
Classification: Likely pathogenic for MTTP-related condition. Last evaluated: 2022-09-19. Review status: criteria provided, single submitter. Criteria: ACMG Guidelines, 2015. Collection method: clinical testing. Allele origin: germline.
Comment: The MTTP c.399dupA variant is predicted to result in a frameshift and premature protein termination (p.Glu134Argfs*8). To our knowledge, this variant has not been reported in the literature. This variant is reported in 0.00088% of alleles in individuals of European (Non-Finnish) descent in gnomAD. Frameshift variants in MTTP are expected to be pathogenic. This variant is interpreted as likely pathogenic.

Labcorp Genetics (formerly Invitae), Labcorp
Classification: Pathogenic. Last evaluated: 2022-09-03. Review status: criteria provided, single submitter. Criteria: Invitae Variant Classification Sherloc (09022015). Collection method: clinical testing. Allele origin: germline.
Comment: For these reasons, this variant has been classified as Pathogenic. This variant has not been reported in the literature in individuals affected with MTTP-related conditions. This variant is present in population databases (no rsID available, gnomAD 0.0009%). This sequence change creates a premature translational stop signal (p.Glu134Argfs*8) in the MTTP gene. It is expected to result in an absent or disrupted protein product. Loss-of-function variants in MTTP are known to be pathogenic (PMID: 8533758, 9671739).

Literature cited by the submitters: PubMed 8533758 (cited by Labcorp Genetics (formerly Invitae), Labcorp); PubMed 9671739 (cited by Labcorp Genetics (formerly Invitae), Labcorp).

NM_001386140.1(MTTP):c.399dup (p.Glu134fs)

Gene: MTTP (microsomal triglyceride transfer protein; plus strand). Cytogenetic location: 4q23.
Variant type: Duplication.
Coding change: c.399dup on transcript NM_001386140.1 (MANE Select); coding-DNA position 399, one base duplicated (A; older notation c.399dupA).
Protein change: p.Glu134fs; shifts the reading frame from glutamic acid 134.
Molecular consequence: frameshift variant.
Genome position (GRCh38, 1-based): chr4:99,589,648, A duplicated; the last of 3 consecutive A bases (chr4:99,589,646-99,589,648); duplicating any one gives the same sequence. VCF-style (leftmost placement, unchanged base first): chr4-99589645-C-CA. GRCh37 (hg19) VCF-style: chr4-100510802-C-CA.
Other names: c.399dupA (NM_000253.3); c.399dup, p.Glu134fs (NM_000253.4); c.150dup, p.Glu51fs (NM_001300785.2); short protein forms E51fs, E134fs.
Identifiers: ClinVar variation 2154056 (VCV002154056.6), dbSNP rs1190052366, ClinGen allele CA553122946.